The following is an entry in ClinVar:

ClinVar aggregate classification (germline): Uncertain significance. Review status: criteria provided, multiple submitters, no conflicts (2 of 4 stars). 2 submissions from 2 submitters: Uncertain significance (2). Last evaluated 2025-08-24.

Allele frequency attached by ClinVar (database versions not stated): gnomAD exomes below 0.00001 and 0.00001; gnomAD 0.00001; TOPMed 0.00001.
gnomAD v4.1: 18 of 1,613,852 alleles (0.0011%); highest among the groups gnomAD compares: Non-Finnish European, 0.0014%; no homozygotes.

Submissions (2):

Ambry Genetics
Classification: Uncertain significance. Last evaluated: 2025-08-24. Review status: criteria provided, single submitter. Criteria: Ambry Variant Classification Scheme 2023. Collection method: clinical testing. Allele origin: germline.

Labcorp Genetics (formerly Invitae), Labcorp
Classification: Uncertain significance. Last evaluated: 2022-11-28. Review status: criteria provided, single submitter. Criteria: Invitae Variant Classification Sherloc (09022015). Collection method: clinical testing. Allele origin: germline.
Comment: This variant has not been reported in the literature in individuals affected with PSMB4-related conditions. This variant is present in population databases (no rsID available, gnomAD 0.0009%). This sequence change replaces asparagine, which is neutral and polar, with aspartic acid, which is acidic and polar, at codon 230 of the PSMB4 protein (p.Asn230Asp). In summary, the available evidence is currently insufficient to determine the role of this variant in disease. Therefore, it has been classified as a Variant of Uncertain Significance. Algorithms developed to predict the effect of missense changes on protein structure and function (SIFT, PolyPhen-2, Align-GVGD) all suggest that this variant is likely to be tolerated. ClinVar contains an entry for this variant (Variation ID: 1516338).

NM_002796.3(PSMB4):c.688A>G (p.Asn230Asp)

Gene: PSMB4 (proteasome 20S subunit beta 4; plus strand). Cytogenetic location: 1q21.3.
Variant type: single nucleotide variant.
Coding change: c.688A>G on transcript NM_002796.3 (MANE Select); coding-DNA position 688, A replaced by G.
Protein change: p.Asn230Asp; replaces asparagine 230 with aspartic acid.
Molecular consequence: missense variant.
Genome position (GRCh38, 1-based): chr1:151,401,350, A>G. VCF-style: chr1-151401350-A-G. GRCh37 (hg19) VCF-style: chr1-151373826-A-G.
Other names: c.688A>G (NM_002796.2); short protein forms N230D.
Identifiers: ClinVar variation 1516338 (VCV001516338.9), dbSNP rs1341248829, ClinGen allele CA341927152.
Genomic context (GRCh38, chr1:151,401,350, plus strand): 5'-GCCCGCGACTTAGTAGAACGCTGCATGCGAGTGCTGTACTACCGAGATGCCCGTTCTTAC[A>G]ACCGGGTGAGGGATGTGCTGGGAACCTAATTGGCGGGCTCTGGCTACTTGCAATCCCTGG-3'
Protein context (NP_002787.2, residues 220-240): VLYYRDARSY[Asn230Asp]RFQIATVTEK